The following is an entry in ClinVar:

NM_001903.5(CTNNA1):c.660_666del (p.Tyr222fs)

Gene: CTNNA1 (catenin alpha 1; plus strand). Cytogenetic location: 5q31.2.
Variant type: Deletion.
Coding change: c.660_666del on transcript NM_001903.5 (MANE Select); coding-DNA positions 660 to 666, 7 bases deleted (CCTCTAT; older notation c.660_666delCCTCTAT).
Protein change: p.Tyr222fs; shifts the reading frame from tyrosine 222.
Molecular consequence: frameshift variant.
Genome position (GRCh38, 1-based): chr5:138,824,601-138,824,607, CCTCTAT deleted; deleting any 7 consecutive bases within chr5:138,824,599-138,824,607 gives the same sequence; the c. name uses the placement nearest the transcript's 3' end. VCF-style (leftmost placement, unchanged base first): chr5-138824598-GATCCTCT-G. GRCh37 (hg19) VCF-style: chr5-138160287-GATCCTCT-G.
Other names: c.660_666delCCTCTAT (NM_001903.2); c.660_666del, p.Tyr222fs (NM_001290307.3, NM_001323982.2, NM_001323983.1 and 3 more transcripts); c.351_357del, p.Tyr119fs (NM_001290309.3); c.291_297del, p.Tyr99fs (NM_001290310.3); short protein forms Y119fs, Y222fs, Y99fs.
Identifiers: ClinVar variation 2431324 (VCV002431324.2), dbSNP rs2532424023, ClinGen allele CA2578420757.

ClinVar aggregate classification (germline): Pathogenic. Review status: criteria provided, multiple submitters, no conflicts (2 of 4 stars). 2 submissions from 2 submitters: Pathogenic (2). Last evaluated 2026-09-02.

Conditions:
Hereditary diffuse gastric adenocarcinoma (HDGC). Also called: DIFFUSE GASTRIC AND LOBULAR BREAST CANCER SYNDROME. Identifiers: Orphanet 26106, MedGen C1708349, MONDO:0007648, OMIM 137215.
Hereditary cancer-predisposing syndrome. Also called: Hereditary Cancer Syndrome; Hereditary neoplastic syndrome; Neoplastic Syndromes, Hereditary; Tumor predisposition. Identifiers: Orphanet 140162, MedGen C0027672, MeSH D009386, MONDO:0015356.

Submissions (2):

Ambry Genetics
Classification: Pathogenic for Hereditary cancer-predisposing syndrome. Last evaluated: 2026-09-02. Review status: criteria provided, single submitter. Criteria: Ambry Variant Classification Scheme 2023. Collection method: clinical testing. Allele origin: germline.
Comment: The c.660_666delCCTCTAT pathogenic mutation, located in coding exon 5 of the CTNNA1 gene, results from a deletion of 7 nucleotides at nucleotide positions 660 to 666, causing a translational frameshift with a predicted alternate stop codon (p.Y222Hfs*20). This variant is considered to be rare based on population cohorts in the Genome Aggregation Database (gnomAD). This alteration is expected to result in loss of function by premature protein truncation or nonsense-mediated mRNA decay. As such, this alteration is interpreted as a disease-causing mutation.

Myriad Genetics, Inc.
Classification: Pathogenic for Hereditary diffuse gastric adenocarcinoma. Last evaluated: 2023-01-17. Review status: criteria provided, single submitter. Criteria: Myriad Autosomal Dominant, Autosomal Recessive and X-Linked Classification Criteria (2023). Collection method: clinical testing. Allele origin: unknown.
Comment: This variant is considered pathogenic. This variant creates a frameshift predicted to result in premature protein truncation.